The following is an entry in ClinVar:

NM_003172.4(SURF1):c.500A>G (p.His167Arg)

Gene: SURF1 (SURF1 cytochrome c oxidase assembly factor; minus strand). Cytogenetic location: 9q34.2.
Variant type: single nucleotide variant.
Coding change: c.500A>G on transcript NM_003172.4 (MANE Select); coding-DNA position 500, A replaced by G.
Protein change: p.His167Arg; replaces histidine 167 with arginine.
Molecular consequence: missense variant.
Genome position (GRCh38, 1-based): chr9:133,353,764, T>C on the plus strand (A>G on the coding strand, the complement: SURF1 is on the minus strand). VCF-style: chr9-133353764-T-C. GRCh37 (hg19) VCF-style: chr9-136220619-T-C.
Other names: c.500A>G (NM_003172.2); c.173A>G, p.His58Arg (NM_001280787.1); short protein forms H167R, H58R.
Identifiers: ClinVar variation 1039725 (VCV001039725.8), dbSNP rs373251271, ClinGen allele CA200832957.
Genomic context (GRCh38, chr9:133,353,764, plus strand): 5'-TGACTGCCTCTGCCAGGACAGCCAGCTCCCACATGTCCTACTCACCCCAGGTCGGTGCAG[T>C]GGAAGGGAGTGACCACATAGGCCCCACTCTGAGTTGAGGAGGAGATGAGGCCGCCCTCCC-3'
Protein context (NP_003163.1, residues 157-177): QSGAYVVTPF[His167Arg]CTDLGVTILV

ClinVar aggregate classification (germline): Uncertain significance. Review status: criteria provided, multiple submitters, no conflicts (2 of 4 stars). 2 submissions from 2 submitters: Uncertain significance (2). Last evaluated 2025-10-24.

Conditions:
Inborn genetic diseases. Identifiers: MedGen C0950123, MeSH D030342.
Leigh syndrome (NULS). Also called: Leigh's necrotizing encephalopathy; Leigh's disease; Leigh Syndrome (mtDNA deletion); LEIGH SYNDROME, NUCLEAR; Leigh's syndrome; Leigh Disease. Identifiers: Orphanet 506, MedGen C2931891, MONDO:0009723, OMIM 256000.

Allele frequency attached by ClinVar (database versions not stated): gnomAD exomes below 0.00001; TOPMed below 0.00001.
gnomAD v4.1: 8 of 1,613,764 alleles (0.0005%); highest among the groups gnomAD compares: South Asian, 0.0033%; no homozygotes.

Submissions (2):

Ambry Genetics
Classification: Uncertain significance for Inborn genetic diseases. Last evaluated: 2025-10-24. Review status: criteria provided, single submitter. Criteria: Ambry Variant Classification Scheme 2023. Collection method: clinical testing. Allele origin: germline.

Labcorp Genetics (formerly Invitae), Labcorp
Classification: Uncertain significance for Leigh syndrome. Last evaluated: 2022-04-28. Review status: criteria provided, single submitter. Criteria: Invitae Variant Classification Sherloc (09022015). Collection method: clinical testing. Allele origin: germline.
Comment: This sequence change replaces histidine, which is basic and polar, with arginine, which is basic and polar, at codon 167 of the SURF1 protein (p.His167Arg). This variant is not present in population databases (gnomAD no frequency). This variant has not been reported in the literature in individuals affected with SURF1-related conditions. ClinVar contains an entry for this variant (Variation ID: 1039725). Algorithms developed to predict the effect of missense changes on protein structure and function (SIFT, PolyPhen-2, Align-GVGD) all suggest that this variant is likely to be tolerated. In summary, the available evidence is currently insufficient to determine the role of this variant in disease. Therefore, it has been classified as a Variant of Uncertain Significance.